The following is an entry in ClinVar:

ClinVar aggregate classification (germline): Benign/Likely benign. Review status: criteria provided, multiple submitters, no conflicts (2 of 4 stars). 2 submissions from 2 submitters: Benign (1); Likely benign (1). Last evaluated 2026-01-01.

Allele frequency attached by ClinVar (database versions not stated): gnomAD exomes 0.00030; ExAC 0.00522.

Submissions (2):

CeGaT Center for Human Genetics Tuebingen
Classification: Benign. Last evaluated: 2026-01-01. Review status: criteria provided, single submitter. Criteria: CeGaT Center For Human Genetics Tuebingen Variant Classification Criteria Version 2. Collection method: clinical testing. Allele origin: germline. Affected: yes. Observed: 4 variant alleles.
Comment: CEL: BS1, BS2

GeneDx
Classification: Likely benign. Last evaluated: 2021-05-12. Review status: criteria provided, single submitter. Criteria: GeneDx Variant Classification Process June 2021. Collection method: clinical testing. Allele origin: germline. Affected: yes.

NM_001807.6(CEL):c.1738G>C (p.Ala580Pro)

Gene: CEL (carboxyl ester lipase; plus strand). Cytogenetic location: 9q34.13.
Variant type: single nucleotide variant.
Coding change: c.1738G>C on transcript NM_001807.6 (MANE Select); coding-DNA position 1738, G replaced by C.
Protein change: p.Ala580Pro; replaces alanine 580 with proline.
Molecular consequence: missense variant.
Genome position (GRCh38, 1-based): chr9:133,071,240, G>C. VCF-style: chr9-133071240-G-C. GRCh37 (hg19) VCF-style: chr9-135946627-G-C.
Other names: short protein forms A580P.
Identifiers: ClinVar variation 1204843 (VCV001204843.26), dbSNP rs34800980, ClinGen allele CA5303517.